The following is an entry in ClinVar:

ClinVar aggregate classification (germline): Uncertain significance (1 of 4 stars; one submission).

gnomAD v4.1: 1 of 1,610,642 alleles (0.000062%); highest among the groups gnomAD compares: Non-Finnish European, 0.000085%; no homozygotes.

Submission:

Labcorp Genetics (formerly Invitae), Labcorp
Classification: Uncertain significance. Last evaluated: 2024-02-20. Review status: criteria provided, single submitter. Criteria: Invitae Variant Classification Sherloc (09022015). Collection method: clinical testing. Allele origin: germline.
Comment: This sequence change replaces histidine, which is basic and polar, with glutamine, which is neutral and polar, at codon 10 of the LZTFL1 protein (p.His10Gln). This variant is not present in population databases (gnomAD no frequency). This variant has not been reported in the literature in individuals affected with LZTFL1-related conditions. ClinVar contains an entry for this variant (Variation ID: 1435989). Advanced modeling of protein sequence and biophysical properties (such as structural, functional, and spatial information, amino acid conservation, physicochemical variation, residue mobility, and thermodynamic stability) has been performed at Invitae for this missense variant, however the output from this modeling did not meet the statistical confidence thresholds required to predict the impact of this variant on LZTFL1 protein function. In summary, the available evidence is currently insufficient to determine the role of this variant in disease. Therefore, it has been classified as a Variant of Uncertain Significance.

NM_020347.4(LZTFL1):c.30T>G (p.His10Gln)

Gene: LZTFL1 (leucine zipper transcription factor like 1; minus strand). Cytogenetic location: 3p21.31.
Variant type: single nucleotide variant.
Coding change: c.30T>G on transcript NM_020347.4 (MANE Select); coding-DNA position 30, T replaced by G.
Protein change: p.His10Gln; replaces histidine 10 with glutamine.
Molecular consequence: missense variant. On other transcripts: 5 prime UTR variant (2), intron variant (1).
Genome position (GRCh38, 1-based): chr3:45,838,025, A>C on the plus strand (T>G on the coding strand, the complement: LZTFL1 is on the minus strand). VCF-style: chr3-45838025-A-C. GRCh37 (hg19) VCF-style: chr3-45879517-A-C.
Other names: c.-22T>G (NM_001276378.2, NM_001386451.1); c.30T>G, p.His10Gln (NM_001386452.1); c.117-2241T>G (NM_001276379.2); short protein forms H10Q.
Identifiers: ClinVar variation 1435989 (VCV001435989.8), dbSNP rs761220368, ClinGen allele CA352455801.
Genomic context (GRCh38, chr3:45,838,025, plus strand): 5'-TTTGAGTCTCAAGCCTCTCTTTGAACGAGCAAAACGCATATAATTAATAACTTCATTTTG[A>C]TGGTGCTCATTTAGGCCCAACTCTGCCTGAAAAAGAAAGAGGTAATTTAATTGTTAGTTT-3'
Protein context (NP_065080.1, residues 1-20): MAELGLNEH[His10Gln]QNEVINYMRF